The following is an entry in ClinVar:

ClinVar aggregate classification (germline): Uncertain significance (1 of 4 stars; one submission).

Submission:

GeneDx
Classification: Uncertain significance. Last evaluated: 2022-06-09. Review status: criteria provided, single submitter. Criteria: GeneDx Variant Classification Process June 2021. Collection method: clinical testing. Allele origin: germline. Affected: yes.
Comment: Not observed at significant frequency in large population cohorts (gnomAD); In silico analysis supports that this variant does not alter protein structure/function; Has not been previously published as pathogenic or benign to our knowledge; This variant is associated with the following publications: (PMID: 28555414, 28637624)

NM_001987.5(ETV6):c.517_518delinsAA (p.Pro173Asn)

Gene: ETV6 (ETS variant transcription factor 6; plus strand). Cytogenetic location: 12p13.2.
Variant type: Indel.
Coding change: c.517_518delinsAA on transcript NM_001987.5 (MANE Select); coding-DNA positions 517 to 518, CC replaced by AA.
Protein change: p.Pro173Asn; replaces proline 173 with asparagine.
Molecular consequence: missense variant.
Genome position (GRCh38, 1-based): chr12:11,869,477-11,869,478, CC replaced by AA. VCF-style: chr12-11869477-CC-AA. GRCh37 (hg19) VCF-style: chr12-12022411-CC-AA.
Other names: c.514_515delCCinsAA, p.Pro172Asn (NM_001413913.1); c.490_491delCCinsAA, p.Pro164Asn (NM_001413914.1); c.253_254delCCinsAA, p.Pro85Asn (NM_001413915.1); c.517_518delCCinsAA, p.Pro173Asn (NM_001413916.1, NM_001413917.1, NM_001987.4); short protein forms P164N, P172N, P173N, P85N.
Identifiers: ClinVar variation 1803346 (VCV001803346.1), dbSNP rs2498077762, ClinGen allele CA2580085157.
Genomic context (GRCh38, chr12:11,869,477, plus strand): 5'-TCCACAGATAACTGTGTCCAGAGGACCCCCAGGCCATCCGTGGATAATGTGCACCATAAC[CC>AA]TCCCACCATTGAACTGTTGCACCGCTCCAGGTCACCTATCACGACAAATCACCGGCCTTC-3'
Protein context (NP_001978.1, residues 163-183): RPSVDNVHHN[Pro173Asn]PTIELLHRSR